The following is an entry in ClinVar:

ClinVar aggregate classification (germline): Conflicting classifications of pathogenicity. Review status: criteria provided, conflicting classifications (1 of 4 stars). 3 submissions from 3 submitters: Uncertain significance (1); Likely benign (2). Last evaluated 2025-06-12.

Conditions:
Cardiovascular phenotype. Identifiers: MedGen CN230736.
Brugada syndrome. Also called: Sudden unexplained nocturnal death syndrome; Sudden Unexplained Death Syndrome; Sudden Unexplained Nocturnal Death Syndrome (SUNDS); Sudden unexpected nocturnal death syndrome. Identifiers: Orphanet 130, MedGen C1142166, MONDO:0015263.

Allele frequency attached by ClinVar (database versions not stated): 1000 Genomes Project 0.00040; 1000 Genomes Project 30x 0.00031; TOPMed 0.00004.

Submissions (3):

Labcorp Genetics (formerly Invitae), Labcorp
Classification: Likely benign for Brugada syndrome. Last evaluated: 2025-06-12. Review status: criteria provided, single submitter. Criteria: Invitae Variant Classification Sherloc (09022015). Collection method: clinical testing. Allele origin: germline.

GeneDx
Classification: Uncertain significance. Last evaluated: 2024-11-08. Review status: criteria provided, single submitter. Criteria: GeneDx Variant Classification Process June 2021. Collection method: clinical testing. Allele origin: germline.
Comment: Identified in a case of sudden unexplained nocturnal death syndrome (SUNDS) in published literature (PMID: 27272739); In silico analysis indicates that this missense variant does not alter protein structure/function; This variant is associated with the following publications: (PMID: 27272739)

Ambry Genetics
Classification: Likely benign for Cardiovascular phenotype. Last evaluated: 2022-05-27. Review status: criteria provided, single submitter. Criteria: Ambry Variant Classification Scheme 2023. Collection method: clinical testing. Allele origin: germline.

Literature cited by the submitters: PubMed 27272739 (cited by Ambry Genetics); PubMed 29502107 (cited by Ambry Genetics).

NM_006514.4(SCN10A):c.41G>A (p.Arg14His)

Gene: SCN10A (sodium voltage-gated channel alpha subunit 10; minus strand). Cytogenetic location: 3p22.2.
Variant type: single nucleotide variant.
Coding change: c.41G>A on transcript NM_006514.4 (MANE Select); coding-DNA position 41, G replaced by A.
Protein change: p.Arg14His; replaces arginine 14 with histidine.
Molecular consequence: missense variant.
Genome position (GRCh38, 1-based): chr3:38,793,970, C>T on the plus strand (G>A on the coding strand, the complement: SCN10A is on the minus strand). VCF-style: chr3-38793970-C-T. GRCh37 (hg19) VCF-style: chr3-38835461-C-T.
Other names: c.41G>A, p.Arg14His (NM_001293306.2, NM_001293307.2); short protein forms R14H.
Identifiers: ClinVar variation 937705 (VCV000937705.11), dbSNP rs141207048, ClinGen allele CA2321316.